The following is an entry in ClinVar:

ClinVar aggregate classification (germline): Likely pathogenic (1 of 4 stars; one submission).

Conditions:
KIDINS220-related disorder. Also called: KIDINS220-related condition.

gnomAD v4.1: 5 of 1,571,788 alleles (0.00032%); highest among the groups gnomAD compares: Non-Finnish European, 0.00034%; no homozygotes.

Submission:

PreventionGenetics, part of Exact Sciences
Classification: Likely pathogenic for KIDINS220-related condition. Last evaluated: 2026-02-12. Review status: criteria provided, single submitter. Criteria: ACMG Guidelines, 2015. Collection method: clinical testing. Allele origin: germline.
Comment: The KIDINS220 c.3432C>G variant is predicted to result in premature protein termination (p.Tyr1144*). To our knowledge, this variant has not been reported in the literature. This variant is reported in 0.0019% of alleles in individuals of European (Non-Finnish) descent in gnomAD. Nonsense variants in KIDINS220 are expected to be pathogenic. However, this variant is located in exon 25 of 30, and therefore is expected to be pathogenic only for autosomal recessive KIDINS220 associated disorders. This variant is interpreted as likely pathogenic.

NM_020738.4(KIDINS220):c.3432C>G (p.Tyr1144Ter)

Gene: KIDINS220 (kinase D interacting substrate 220; minus strand). Cytogenetic location: 2p25.1.
Variant type: single nucleotide variant.
Coding change: c.3432C>G on transcript NM_020738.4 (MANE Select); coding-DNA position 3432, C replaced by G.
Protein change: p.Tyr1144Ter; replaces tyrosine 1144 with a stop codon.
Molecular consequence: nonsense. On other transcripts: non-coding transcript variant (1), intron variant (8).
Genome position (GRCh38, 1-based): chr2:8,747,983, G>C on the plus strand (C>G on the coding strand, the complement: KIDINS220 is on the minus strand). VCF-style: chr2-8747983-G-C. GRCh37 (hg19) VCF-style: chr2-8888113-G-C.
Other names: c.3435C>G, p.Tyr1145Ter (NM_001348729.2, NM_001348731.2); c.3432C>G, p.Tyr1144Ter (NM_001348732.2, NM_001348738.2); c.3414+2129C>G (NM_001348741.2, NM_001348742.2, NM_001348743.2 and 1 more transcripts); c.3417+2129C>G (NM_001348739.2, NM_001348740.2, NM_001348734.2); c.3288+2129C>G (NM_001348736.2); short protein forms Y1145*, Y1144*.
Identifiers: ClinVar variation 4989616 (VCV004989616.1).